The following is an entry in ClinVar:

ClinVar aggregate classification (germline): Uncertain significance (1 of 4 stars; one submission).

Conditions:
Hereditary cancer-predisposing syndrome. Also called: Neoplastic Syndromes, Hereditary; Tumor predisposition; Hereditary neoplastic syndrome; Hereditary Cancer Syndrome. Identifiers: Orphanet 140162, MedGen C0027672, MeSH D009386, MONDO:0015356.

Submission:

Ambry Genetics
Classification: Uncertain significance for Hereditary cancer-predisposing syndrome. Last evaluated: 2026-06-18. Review status: criteria provided, single submitter. Criteria: Ambry Variant Classification Scheme 2023. Collection method: clinical testing. Allele origin: germline.
Comment: The p.H1161Y variant (also known as c.3481C>T), located in coding exon 21 of the TSC1 gene, results from a C to T substitution at nucleotide position 3481. The histidine at codon 1161 is replaced by tyrosine, an amino acid with similar properties. This amino acid position is conserved. In addition, the in silico prediction for this alteration is inconclusive. Based on the available evidence, the clinical significance of this variant remains unclear.

NM_000368.5(TSC1):c.3481C>T (p.His1161Tyr)

Gene: TSC1 (TSC complex subunit 1; minus strand). Cytogenetic location: 9q34.13.
Variant type: single nucleotide variant.
Coding change: c.3481C>T on transcript NM_000368.5 (MANE Select); coding-DNA position 3481, C replaced by T.
Protein change: p.His1161Tyr; replaces histidine 1161 with tyrosine.
Molecular consequence: missense variant. On other transcripts: non-coding transcript variant (5).
Genome position (GRCh38, 1-based): chr9:132,896,249, G>A on the plus strand (C>T on the coding strand, the complement: TSC1 is on the minus strand). VCF-style: chr9-132896249-G-A. GRCh37 (hg19) VCF-style: chr9-135771636-G-A.
Other names: c.3478C>T, p.His1160Tyr (NM_001162426.2, NM_001406597.1, NM_001406598.1 and 2 more transcripts); c.3328C>T, p.His1110Tyr (NM_001162427.2, NM_001406610.1); c.3118C>T, p.His1040Tyr (NM_001362177.2, NM_001406614.1, NM_001406615.1 and 4 more transcripts); c.3481C>T, p.His1161Tyr (NM_001406592.1, NM_001406593.1, NM_001406594.1 and 2 more transcripts); c.3466C>T, p.His1156Tyr (NM_001406601.1, NM_001406602.1); c.3463C>T, p.His1155Tyr (NM_001406603.1, NM_001406604.1); c.3439C>T, p.His1147Tyr (NM_001406605.1, NM_001406606.1, NM_001406607.1); c.3436C>T, p.His1146Tyr (NM_001406608.1, NM_001406609.1); and 8 more; short protein forms H1026Y, H1155Y, H1160Y, H1109Y, H1147Y, H810Y, H843Y, H1040Y.
Identifiers: ClinVar variation 5031196 (VCV005031196.1).